The following is an entry in ClinVar:

NM_003718.5(CDK13):c.683C>T (p.Ala228Val)

Gene: CDK13 (cyclin dependent kinase 13; plus strand). Cytogenetic location: 7p14.1.
Variant type: single nucleotide variant.
Coding change: c.683C>T on transcript NM_003718.5 (MANE Select); coding-DNA position 683, C replaced by T.
Protein change: p.Ala228Val; replaces alanine 228 with valine.
Molecular consequence: missense variant.
Genome position (GRCh38, 1-based): chr7:39,951,324, C>T. VCF-style: chr7-39951324-C-T. GRCh37 (hg19) VCF-style: chr7-39990923-C-T.
Other names: c.683C>T, p.Ala228Val (NM_031267.4); short protein forms A228V.
Identifiers: ClinVar variation 1978539 (VCV001978539.4), dbSNP rs1787179018, ClinGen allele CA367310255.

ClinVar aggregate classification (germline): Uncertain significance (1 of 4 stars; one submission).

Allele frequency attached by ClinVar (database versions not stated): gnomAD 0.00001.
gnomAD v4.1: 2 of 1,415,680 alleles (0.00014%); highest among the groups gnomAD compares: African/African-American, 0.0015%; no homozygotes.

Submission:

Labcorp Genetics (formerly Invitae), Labcorp
Classification: Uncertain significance. Last evaluated: 2023-11-27. Review status: criteria provided, single submitter. Criteria: Invitae Variant Classification Sherloc (09022015). Collection method: clinical testing. Allele origin: germline.
Comment: This sequence change replaces alanine, which is neutral and non-polar, with valine, which is neutral and non-polar, at codon 228 of the CDK13 protein (p.Ala228Val). This variant is not present in population databases (gnomAD no frequency). This variant has not been reported in the literature in individuals affected with CDK13-related conditions. ClinVar contains an entry for this variant (Variation ID: 1978539). Advanced modeling of protein sequence and biophysical properties (such as structural, functional, and spatial information, amino acid conservation, physicochemical variation, residue mobility, and thermodynamic stability) performed at Invitae indicates that this missense variant is not expected to disrupt CDK13 protein function with a negative predictive value of 95%. In summary, the available evidence is currently insufficient to determine the role of this variant in disease. Therefore, it has been classified as a Variant of Uncertain Significance.